The following is an entry in ClinVar:

NM_003001.5(SDHC):c.21-1G>A

Gene: SDHC (succinate dehydrogenase complex subunit C; plus strand). Cytogenetic location: 1q23.3.
Variant type: single nucleotide variant.
Coding change: c.21-1G>A on transcript NM_003001.5 (MANE Select); the canonical splice acceptor site of the intron before coding-DNA position 21, G replaced by A.
Molecular consequence: splice acceptor variant. On other transcripts: intron variant (4).
Genome position (GRCh38, 1-based): chr1:161,323,613, G>A. VCF-style: chr1-161323613-G-A. GRCh37 (hg19) VCF-style: chr1-161293403-G-A.
Other names: c.-91-1G>A (NM_001407119.1); c.-209-1G>A (NM_001407120.1); c.21-1G>A (NM_001407115.1, NM_001035511.3, NM_001035512.3 and 2 more transcripts); c.21-4783G>A (NM_001407116.1, NM_001407121.1, NM_001407117.1); c.20+9188G>A (NM_001035513.3).
Identifiers: ClinVar variation 1999178 (VCV001999178.4), dbSNP rs2526332292, ClinGen allele CA343359234.
Genomic context (GRCh38, chr1:161,323,613, plus strand): 5'-AGTTGATATACTAAAGTTGATCTCTAAATGTGTATTGATTTTTGATTCTCTTATCTTGCA[G>A]ACACGTTGGTCGTCATTGCCTCCGAGCCCACTTTAGCCCTCAGCTCTGTATCAGAAAGTA-3'

ClinVar aggregate classification (germline): Pathogenic (1 of 4 stars; one submission).

Conditions:
Pheochromocytoma/paraganglioma syndrome 3. Also called: GLOMUS TUMORS, FAMILIAL, 3; Paragangliomas 3; SDHC-Related Hereditary Paraganglioma-Pheochromocytoma Syndrome (Paragangliomas 3); SDHC-Related Hereditary Paraganglioma-Pheochromocytoma Syndrome. Identifiers: Orphanet 29072, MedGen C1854336, MONDO:0011544, OMIM 605373.
Gastrointestinal stromal tumor. Also called: Gastrointestinal stroma tumor; Gastrointestinal stromal tumor, somatic. Identifiers: Orphanet 44890, MedGen C0238198, MeSH D046152, MONDO:0011719, OMIM 606764, HP:0100723.

Submission:

Labcorp Genetics (formerly Invitae), Labcorp
Classification: Pathogenic for Pheochromocytoma/paraganglioma syndrome 3; Gastrointestinal stromal tumor. Last evaluated: 2023-07-14. Review status: criteria provided, single submitter. Criteria: Invitae Variant Classification Sherloc (09022015). Collection method: clinical testing. Allele origin: germline.
Comment: For these reasons, this variant has been classified as Pathogenic. Other variant(s) that result in the loss of exon 2 have been determined to be pathogenic (PMID: 19454582; Invitae). This suggests that this variant may also be clinically significant and likely to be disease-causing. Studies have shown that disruption of this splice site results in skipping of exon 2 or exons 2-3, but is expected to preserve the integrity of the reading-frame (Invitae). ClinVar contains an entry for this variant (Variation ID: 1999178). This variant has not been reported in the literature in individuals affected with SDHC-related conditions. This variant is not present in population databases (gnomAD no frequency). This sequence change affects an acceptor splice site in intron 1 of the SDHC gene. RNA analysis indicates that disruption of this splice site induces altered splicing and likely results in a shortened protein product.

Literature cited by the submitters: PubMed 19454582.